The following is an entry in ClinVar:

ClinVar aggregate classification (germline): Uncertain significance (1 of 4 stars; one submission).

Conditions:
Chédiak-Higashi syndrome (CHS). Also called: Chediak-Higashi Syndrome. Identifiers: Orphanet 167, MedGen C0007965, MONDO:0008963, OMIM 214500.

Allele frequency attached by ClinVar (database versions not stated): gnomAD exomes below 0.00001.
gnomAD v4.1: 2 of 1,600,720 alleles (0.00012%); highest among the groups gnomAD compares: African/African-American, 0.0013%; no homozygotes.

Submission:

Labcorp Genetics (formerly Invitae), Labcorp
Classification: Uncertain significance for Chédiak-Higashi syndrome. Last evaluated: 2020-09-15. Review status: criteria provided, single submitter. Criteria: Invitae Variant Classification Sherloc (09022015). Collection method: clinical testing. Allele origin: germline.
Comment: In summary, the available evidence is currently insufficient to determine the role of this variant in disease. Therefore, it has been classified as a Variant of Uncertain Significance. Algorithms developed to predict the effect of missense changes on protein structure and function are either unavailable or do not agree on the potential impact of this missense change (SIFT: "Tolerated"; PolyPhen-2: "Possibly Damaging"; Align-GVGD: "Class C0"). This variant has not been reported in the literature in individuals with LYST-related conditions. This variant is not present in population databases (ExAC no frequency). This sequence change replaces serine with leucine at codon 2679 of the LYST protein (p.Ser2679Leu). The serine residue is moderately conserved and there is a large physicochemical difference between serine and leucine.

NM_000081.4(LYST):c.8036C>T (p.Ser2679Leu)

Gene: LYST (lysosomal trafficking regulator; minus strand). Cytogenetic location: 1q42.3.
Variant type: single nucleotide variant.
Coding change: c.8036C>T on transcript NM_000081.4 (MANE Select); coding-DNA position 8036, C replaced by T.
Protein change: p.Ser2679Leu; replaces serine 2679 with leucine.
Molecular consequence: missense variant.
Genome position (GRCh38, 1-based): chr1:235,744,094, G>A on the plus strand (C>T on the coding strand, the complement: LYST is on the minus strand). VCF-style: chr1-235744094-G-A. GRCh37 (hg19) VCF-style: chr1-235907394-G-A.
Other names: c.8036C>T, p.Ser2679Leu (NM_001301365.1); short protein forms S2679L.
Identifiers: ClinVar variation 1035700 (VCV001035700.5), dbSNP rs2527646888, ClinGen allele CA344925032.